The following is an entry in ClinVar:

NM_004655.4(AXIN2):c.2450T>C (p.Val817Ala)

Gene: AXIN2 (axin 2; minus strand). Cytogenetic location: 17q24.1.
Variant type: single nucleotide variant.
Coding change: c.2450T>C on transcript NM_004655.4 (MANE Select); coding-DNA position 2450, T replaced by C.
Protein change: p.Val817Ala; replaces valine 817 with alanine.
Molecular consequence: missense variant.
Genome position (GRCh38, 1-based): chr17:65,530,058, A>G on the plus strand (T>C on the coding strand, the complement: AXIN2 is on the minus strand). VCF-style: chr17-65530058-A-G. GRCh37 (hg19) VCF-style: chr17-63526176-A-G.
Other names: c.2255T>C, p.Val752Ala (NM_001363813.1); short protein forms V817A, V752A.
Identifiers: ClinVar variation 5032547 (VCV005032547.1).

ClinVar aggregate classification (germline): Uncertain significance (1 of 4 stars; one submission).

Conditions:
Hereditary cancer-predisposing syndrome. Also called: Neoplastic Syndromes, Hereditary; Tumor predisposition; Hereditary neoplastic syndrome; Hereditary Cancer Syndrome. Identifiers: Orphanet 140162, MedGen C0027672, MeSH D009386, MONDO:0015356.

Submission:

Ambry Genetics
Classification: Uncertain significance for Hereditary cancer-predisposing syndrome. Last evaluated: 2026-07-06. Review status: criteria provided, single submitter. Criteria: Ambry Variant Classification Scheme 2023. Collection method: clinical testing. Allele origin: germline.
Comment: The p.V817A variant (also known as c.2450T>C), located in coding exon 10 of the AXIN2 gene, results from a T to C substitution at nucleotide position 2450. The valine at codon 817 is replaced by alanine, an amino acid with similar properties. This amino acid position is conserved. In addition, this alteration is predicted to be deleterious by in silico analysis. Based on the available evidence, the clinical significance of this variant remains unclear.